The following is an entry in ClinVar:

NM_001931.5(DLAT):c.478G>A (p.Gly160Arg)

Gene: DLAT (dihydrolipoamide S-acetyltransferase; plus strand). Cytogenetic location: 11q23.1.
Variant type: single nucleotide variant.
Coding change: c.478G>A on transcript NM_001931.5 (MANE Select); coding-DNA position 478, G replaced by A.
Protein change: p.Gly160Arg; replaces glycine 160 with arginine.
Molecular consequence: missense variant. On other transcripts: synonymous variant (1), non-coding transcript variant (1), intron variant (2).
Genome position (GRCh38, 1-based): chr11:112,028,611, G>A. VCF-style: chr11-112028611-G-A. GRCh37 (hg19) VCF-style: chr11-111899335-G-A.
Other names: c.478G>A, p.Gly160Arg (NM_001372031.1, NM_001372032.1, NM_001372033.1 and 3 more transcripts); c.445G>A, p.Gly149Arg (NM_001372034.1); c.352G>A, p.Gly118Arg (NM_001372036.1); c.310G>A, p.Gly104Arg (NM_001372037.1); c.12G>A, p.Ser4= (NM_001372042.1); c.381+2312G>A (NM_001372038.1); c.364+2329G>A (NM_001372040.1); c.478G>A (NM_001931.4); short protein forms G118R, G104R, G160R, G149R.
Identifiers: ClinVar variation 2151252 (VCV002151252.3), dbSNP rs782189104, ClinGen allele CA228543856.

ClinVar aggregate classification (germline): Uncertain significance. Review status: criteria provided, multiple submitters, no conflicts (2 of 4 stars). 3 submissions from 3 submitters: Uncertain significance (3). Last evaluated 2025-06-12.

Conditions:
Pyruvate dehydrogenase E2 deficiency (PDHDD). Also called: LACTIC ACIDEMIA DUE TO DEFECT OF E2 LIPOYL TRANSACETYLASE OF THE PYRUVATE DEHYDROGENASE COMPLEX; Dihydrolipoamide Acetyltransferase (E2) Deficiency. Identifiers: Orphanet 765, Orphanet 79244, MedGen C1855565, MONDO:0009502, OMIM 245348.
Inborn genetic diseases. Identifiers: MedGen C0950123, MeSH D030342.

Allele frequency attached by ClinVar (database versions not stated): gnomAD exomes 0.00001.
gnomAD v4.1: 10 of 1,614,058 alleles (0.00062%); highest among the groups gnomAD compares: East Asian, 0.0045%; no homozygotes.

Submissions (3):

Ambry Genetics
Classification: Uncertain significance for Inborn genetic diseases. Last evaluated: 2025-06-12. Review status: criteria provided, single submitter. Criteria: Ambry Variant Classification Scheme 2023. Collection method: clinical testing. Allele origin: germline.

GeneDx
Classification: Uncertain significance. Last evaluated: 2023-05-05. Review status: criteria provided, single submitter. Criteria: GeneDx Variant Classification Process June 2021. Collection method: clinical testing. Allele origin: germline. Affected: yes.
Comment: Not observed at significant frequency in large population cohorts (gnomAD); In silico analysis supports that this missense variant has a deleterious effect on protein structure/function; Has not been previously published as pathogenic or benign to our knowledge

Labcorp Genetics (formerly Invitae), Labcorp
Classification: Uncertain significance for Pyruvate dehydrogenase E2 deficiency. Last evaluated: 2022-08-08. Review status: criteria provided, single submitter. Criteria: Invitae Variant Classification Sherloc (09022015). Collection method: clinical testing. Allele origin: germline.
Comment: This sequence change replaces glycine, which is neutral and non-polar, with arginine, which is basic and polar, at codon 160 of the DLAT protein (p.Gly160Arg). This variant is present in population databases (rs782189104, gnomAD 0.0009%). This variant has not been reported in the literature in individuals affected with DLAT-related conditions. Advanced modeling of protein sequence and biophysical properties (such as structural, functional, and spatial information, amino acid conservation, physicochemical variation, residue mobility, and thermodynamic stability) performed at Invitae indicates that this missense variant is expected to disrupt DLAT protein function. Algorithms developed to predict the effect of sequence changes on RNA splicing suggest that this variant may create or strengthen a splice site. In summary, the available evidence is currently insufficient to determine the role of this variant in disease. Therefore, it has been classified as a Variant of Uncertain Significance.